The following is an entry in ClinVar:

ClinVar aggregate classification (germline): Likely benign (0 of 4 stars; one submission).

Conditions:
PCNT-related disorder. Also called: PCNT-related condition.

gnomAD v4.1: 5 of 1,613,852 alleles (0.00031%); highest among the groups gnomAD compares: Non-Finnish European, 0.00042%; no homozygotes.

Submission:

PreventionGenetics, part of Exact Sciences
Classification: Likely benign for PCNT-related condition. Last evaluated: 2022-10-27. Review status: no assertion criteria provided. Collection method: clinical testing. Allele origin: germline.
Comment: This variant is classified as likely benign based on ACMG/AMP sequence variant interpretation guidelines (Richards et al. 2015 PMID: 25741868, with internal and published modifications).

NM_006031.6(PCNT):c.4842C>G (p.Ser1614=)

Gene: PCNT (pericentrin; plus strand). Cytogenetic location: 21q22.3.
Variant type: single nucleotide variant.
Coding change: c.4842C>G on transcript NM_006031.6 (MANE Select); coding-DNA position 4842, C replaced by G.
Protein change: p.Ser1614=; no amino-acid change (serine 1614 retained).
Molecular consequence: synonymous variant.
Genome position (GRCh38, 1-based): chr21:46,401,601, C>G. VCF-style: chr21-46401601-C-G. GRCh37 (hg19) VCF-style: chr21-47821515-C-G.
Other names: c.4488C>G, p.Ser1496= (NM_001315529.2).
Identifiers: ClinVar variation 3353600 (VCV003353600.1).